The following is an entry in ClinVar:

ClinVar aggregate classification (germline): Uncertain significance (1 of 4 stars; one submission).

Allele frequency attached by ClinVar (database versions not stated): gnomAD exomes below 0.00001; ExAC 0.00001; TOPMed 0.00001.
gnomAD v4.1: 1 of 1,612,596 alleles (0.000062%); highest among the groups gnomAD compares: Admixed American, 0.0017%; no homozygotes.

Submission:

Labcorp Genetics (formerly Invitae), Labcorp
Classification: Uncertain significance. Last evaluated: 2022-07-12. Review status: criteria provided, single submitter. Criteria: Invitae Variant Classification Sherloc (09022015). Collection method: clinical testing. Allele origin: germline.
Comment: ClinVar contains an entry for this variant (Variation ID: 1430618). This variant has not been reported in the literature in individuals affected with DOCK6-related conditions. This variant is present in population databases (rs781204705, gnomAD 0.003%). This sequence change replaces glutamine, which is neutral and polar, with histidine, which is basic and polar, at codon 1233 of the DOCK6 protein (p.Gln1233His). Algorithms developed to predict the effect of missense changes on protein structure and function are either unavailable or do not agree on the potential impact of this missense change (SIFT: "Deleterious"; PolyPhen-2: "Benign"; Align-GVGD: "Class C0"). In summary, the available evidence is currently insufficient to determine the role of this variant in disease. Therefore, it has been classified as a Variant of Uncertain Significance.

NM_020812.4(DOCK6):c.3699G>C (p.Gln1233His)

Genes: DOCK6-AS1 (DOCK6 antisense RNA 1; plus strand), DOCK6 (dedicator of cytokinesis 6; minus strand). Cytogenetic location: 19p13.2.
Variant type: single nucleotide variant.
Coding change: c.3699G>C on transcript NM_020812.4 (MANE Select); coding-DNA position 3699, G replaced by C.
Protein change: p.Gln1233His; replaces glutamine 1233 with histidine.
Molecular consequence: missense variant.
Genome position (GRCh38, 1-based): chr19:11,217,243, C>G on the plus strand (G>C on the coding strand, the complement: DOCK6 is on the minus strand). VCF-style: chr19-11217243-C-G. GRCh37 (hg19) VCF-style: chr19-11327919-C-G.
Other names: c.3804G>C, p.Gln1268His (NM_001367830.1); short protein forms Q1268H, Q1233H.
Identifiers: ClinVar variation 1430618 (VCV001430618.8), dbSNP rs781204705, ClinGen allele CA9207174.